The following is an entry in ClinVar:

NM_000051.4(ATM):c.6463G>T (p.Val2155Leu)

Genes: ATM (ATM serine/threonine kinase; plus strand), C11orf65 (chromosome 11 open reading frame 65; minus strand). Cytogenetic location: 11q22.3.
Variant type: single nucleotide variant.
Coding change: c.6463G>T on transcript NM_000051.4 (MANE Select); coding-DNA position 6463, G replaced by T.
Protein change: p.Val2155Leu; replaces valine 2155 with leucine.
Molecular consequence: missense variant. On other transcripts: intron variant (2).
Genome position (GRCh38, 1-based): chr11:108,321,311, G>T. VCF-style: chr11-108321311-G-T. GRCh37 (hg19) VCF-style: chr11-108192038-G-T.
Other names: c.6463G>T, p.Val2155Leu (NM_001351834.2); c.641-12240C>A (NM_001330368.2); c.*39-12240C>A (NM_001351110.2); short protein forms V2155L.
Identifiers: ClinVar variation 2447492 (VCV002447492.2), dbSNP rs2136238666, ClinGen allele CA382553864.
Genomic context (GRCh38, chr11:108,321,311, plus strand): 5'-CTGAAAACCTCTTCTTTATTTTCAGAGTGTCTTTTCTTTTTTGCTACTAGAGTAAAAGAA[G>T]TGGAAGAGATGTGTAAGCGCAGCCTTGAGTCTGTGTATTCGCTCTATCCCACACTTAGCA-3'
Protein context (NP_000042.3, residues 2145-2165): ESLKYARVKE[Val2155Leu]EEMCKRSLES

ClinVar aggregate classification (germline): Uncertain significance (1 of 4 stars; one submission).

Conditions:
Hereditary cancer-predisposing syndrome. Also called: Tumor predisposition; Hereditary Cancer Syndrome; Hereditary neoplastic syndrome; Neoplastic Syndromes, Hereditary. Identifiers: Orphanet 140162, MedGen C0027672, MeSH D009386, MONDO:0015356.

Submission:

Ambry Genetics
Classification: Uncertain significance for Hereditary cancer-predisposing syndrome. Last evaluated: 2022-11-09. Review status: criteria provided, single submitter. Criteria: Ambry Variant Classification Scheme 2023. Collection method: clinical testing. Allele origin: germline.
Comment: The p.V2155L variant (also known as c.6463G>T), located in coding exon 44 of the ATM gene, results from a G to T substitution at nucleotide position 6463. The valine at codon 2155 is replaced by leucine, an amino acid with highly similar properties. This amino acid position is conserved. In addition, the in silico prediction for this alteration is inconclusive. Since supporting evidence is limited at this time, the clinical significance of this alteration remains unclear.